The following is an entry in ClinVar:

NM_000169.3(GLA):c.827G>A (p.Ser276Asn)

Genes: GLA (galactosidase alpha; minus strand), RPL36A-HNRNPH2 (RPL36A-HNRNPH2 readthrough; plus strand). Cytogenetic location: Xq22.1.
Variant type: single nucleotide variant.
Coding change: c.827G>A on transcript NM_000169.3 (MANE Select); coding-DNA position 827, G replaced by A.
Protein change: p.Ser276Asn; replaces serine 276 with asparagine.
Molecular consequence: missense variant. On other transcripts: non-coding transcript variant (3), intron variant (2).
Genome position (GRCh38, 1-based): chrX:101,398,542, C>T on the plus strand (G>A on the coding strand, the complement: GLA is on the minus strand). VCF-style: chrX-101398542-C-T. GRCh37 (hg19) VCF-style: chrX-100653530-C-T.
Other names: c.950G>A, p.Ser317Asn (NM_001406747.1); c.827G>A, p.Ser276Asn (NM_001406748.1); c.300+3085C>T (NM_001199973.2); c.177+6720C>T (NM_001199974.2); short protein forms S276N, S317N.
Identifiers: ClinVar variation 4087535 (VCV004087535.3).

ClinVar aggregate classification (germline): Pathogenic/Likely pathogenic. Review status: criteria provided, multiple submitters, no conflicts (2 of 4 stars). 2 submissions from 2 submitters: Pathogenic (1); Likely pathogenic (1). Last evaluated 2026-09-08.

Conditions:
Fabry disease. Also called: ALPHA-GALACTOSIDASE A DEFICIENCY; ANDERSON-FABRY DISEASE; CERAMIDE TRIHEXOSIDASE DEFICIENCY; GLA DEFICIENCY; HEREDITARY DYSTOPIC LIPIDOSIS; Angiokeratoma corporis diffusum. Identifiers: Orphanet 324, MedGen C0002986, MONDO:0010526, OMIM 301500, HP:0001071. Disease mechanism: Fabry disease is due to inactivating mutations in the X-linked GLA gene resulting in deficiency of the enzyme Alpha Galactosidase-A., loss of function.

Submissions (2):

Genomenon, Inc
Classification: Likely pathogenic for Fabry disease. Last evaluated: 2026-09-08. Review status: criteria provided, single submitter. Criteria: Genomenon Sequence Variant Interpretation Standards - Updated. Collection method: curation. Allele origin: germline. Affected: yes.
Comment: GLA p.Ser276Asn (c.827G>A) is a missense variant that changes the amino acid at codon 276 from Serine to Asparagine. This variant has been observed in at least one proband with clinical features consistent with Fabry disease (PMID:36383556;33807900;31449323;28728877). At least one functional study has demonstrated a substantial alteration in protein function relative to the wild-type (PMID:31036492;27657681). It is absent or not present at a significant frequency in gnomAD. In silico models predict that this variant is possibly or probably damaging. In conclusion, we classify GLA p.Ser276Asn (c.827G>A) as a likely pathogenic variant.

3billion
Classification: Pathogenic for Fabry disease. Last evaluated: 2026-01-21. Review status: criteria provided, single submitter. Criteria: ACMG Guidelines, 2015. Collection method: clinical testing. Allele origin: germline. Affected: yes.
Comment: The variant is observed at an extremely low frequency in the gnomAD v4.1.0 dataset (total allele frequency: <0.001%). Predicted Consequence/Location: Missense variant Functional studies provide strong evidence of the variant having a damaging effect on the gene or gene product (PMID: 27657681). In silico tool predictions suggest damaging effect of the variant on gene or gene product [REVEL: 0.89 (>=0.6, sensitivity 0.68 and specificity 0.92); 3Cnet: 0.96 (> 0.75, sensitivity 0.96 and precision 0.92)]. The same nucleotide change resulting in the same amino acid change has been previously reported to be associated with GLA-related disorder (ClinVar ID: VCV004087535 /PMID: 15776423).Different missense changes at the same codon (p.Ser276Arg, p.Ser276Gly, p.Ser276Thr) have been reported as pathogenic/likely pathogenic with strong evidence (ClinVar ID: VCV000222427, VCV000524215, VCV004087536 /PMID: 15712228, 33016649, 38444573). Therefore, this variant is classified as Pathogenic according to the recommendation of ACMG/AMP guideline.

Literature cited by the submitters: PubMed 36383556 (cited by Genomenon, Inc); PubMed 33807900 (cited by Genomenon, Inc); PubMed 31449323 (cited by Genomenon, Inc); PubMed 28728877 (cited by Genomenon, Inc); PubMed 31036492 (cited by Genomenon, Inc); PubMed 27657681 (cited by Genomenon, Inc and 3billion); PubMed 15712228 (cited by 3billion); PubMed 15776423 (cited by 3billion).